The following is an entry in ClinVar:

NM_022072.5(NSUN3):c.194T>A (p.Leu65Gln)

Gene: NSUN3 (NOP2/Sun RNA methyltransferase 3; plus strand). Cytogenetic location: 3q11.2.
Variant type: single nucleotide variant.
Coding change: c.194T>A on transcript NM_022072.5 (MANE Select); coding-DNA position 194, T replaced by A.
Protein change: p.Leu65Gln; replaces leucine 65 with glutamine.
Molecular consequence: missense variant.
Genome position (GRCh38, 1-based): chr3:94,084,178, T>A. VCF-style: chr3-94084178-T-A. GRCh37 (hg19) VCF-style: chr3-93803022-T-A.
Other names: short protein forms L65Q.
Identifiers: ClinVar variation 3647863 (VCV003647863.2).
Genomic context (GRCh38, chr3:94,084,178, plus strand): 5'-CATCTCCATCATGCTGGCAATATGCTGTCCTGCTTAACCGATTCAATTATCCTTTTGAAC[T>A]GGAAAAGGATTTACATTTGAAGGGCTATCACACACTCTCTCAGGGATCTTTACCCAACTA-3'
Protein context (NP_071355.1, residues 55-75): LLNRFNYPFE[Leu65Gln]EKDLHLKGYH

ClinVar aggregate classification (germline): Uncertain significance (1 of 4 stars; one submission).

Submission:

Labcorp Genetics (formerly Invitae), Labcorp
Classification: Uncertain significance. Last evaluated: 2024-04-02. Review status: criteria provided, single submitter. Criteria: Invitae Variant Classification Sherloc (09022015). Collection method: clinical testing. Allele origin: germline.
Comment: This sequence change replaces leucine, which is neutral and non-polar, with glutamine, which is neutral and polar, at codon 65 of the NSUN3 protein (p.Leu65Gln). This variant is not present in population databases (gnomAD no frequency). This variant has not been reported in the literature in individuals affected with NSUN3-related conditions. An algorithm developed to predict the effect of missense changes on protein structure and function (PolyPhen-2) suggests that this variant is likely to be disruptive. In summary, the available evidence is currently insufficient to determine the role of this variant in disease. Therefore, it has been classified as a Variant of Uncertain Significance.